The following is an entry in ClinVar:

NM_022773.4(LMF1):c.512T>C (p.Phe171Ser)

Genes: LMF1 (lipase maturation factor 1; minus strand), LMF1-AS1 (LMF1 antisense RNA 1; plus strand). Cytogenetic location: 16p13.3.
Variant type: single nucleotide variant.
Coding change: c.512T>C on transcript NM_022773.4 (MANE Select); coding-DNA position 512, T replaced by C.
Protein change: p.Phe171Ser; replaces phenylalanine 171 with serine.
Molecular consequence: missense variant. On other transcripts: non-coding transcript variant (3), 5 prime UTR variant (3).
Genome position (GRCh38, 1-based): chr16:934,246, A>G on the plus strand (T>C on the coding strand, the complement: LMF1 is on the minus strand). VCF-style: chr16-934246-A-G. GRCh37 (hg19) VCF-style: chr16-984246-A-G.
Other names: c.-292T>C (NM_001352017.2); c.-43T>C (NM_001352018.2); c.185T>C, p.Phe62Ser (NM_001352019.2); c.512T>C, p.Phe171Ser (NM_001352020.1); c.-194T>C (NM_001352021.2); short protein forms F171S, F62S.
Identifiers: ClinVar variation 1745544 (VCV001745544.4), dbSNP rs376658034, ClinGen allele CA7797544.

ClinVar aggregate classification (germline): Uncertain significance. Review status: criteria provided, multiple submitters, no conflicts (2 of 4 stars). 2 submissions from 2 submitters: Uncertain significance (2). Last evaluated 2025-12-16.

Conditions:
Lipase deficiency, combined. Also called: LIPOPROTEIN LIPASE DEFICIENCY WITH HEPATIC TRIGLYCERIDE LIPASE DEFICIENCY; LPL AND HL DEFICIENCY; LPL AND HTGL DEFICIENCY. Identifiers: Orphanet 535453, MedGen C1855498, MONDO:0009527, OMIM 246650.
Cardiovascular phenotype. Identifiers: MedGen CN230736.

gnomAD v4.1: 78 of 1,599,262 alleles (0.0049%); highest among the groups gnomAD compares: Non-Finnish European, 0.0061%; no homozygotes.

Submissions (2):

Ambry Genetics
Classification: Uncertain significance for Cardiovascular phenotype. Last evaluated: 2025-12-16. Review status: criteria provided, single submitter. Criteria: Ambry Variant Classification Scheme 2023. Collection method: clinical testing. Allele origin: germline.
Comment: The p.F171S variant (also known as c.512T>C), located in coding exon 3 of the LMF1 gene, results from a T to C substitution at nucleotide position 512. The phenylalanine at codon 171 is replaced by serine, an amino acid with highly dissimilar properties. This amino acid position is conserved. In addition, this alteration is predicted to be deleterious by in silico analysis. Since supporting evidence is limited at this time, the clinical significance of this alteration remains unclear.

New York Genome Center
Classification: Uncertain significance for Lipase deficiency, combined. Last evaluated: 2020-11-23. Review status: criteria provided, single submitter. Criteria: NYGC Assertion Criteria 2020. Collection method: clinical testing. Allele origin: germline. Observed: 1 heterozygote.